The following is an entry in ClinVar:

NM_018192.4(P3H2):c.814_815delinsAA (p.Ala272Asn)

Gene: P3H2 (prolyl 3-hydroxylase 2; minus strand). Cytogenetic location: 3q28.
Variant type: Indel.
Coding change: c.814_815delinsAA on transcript NM_018192.4 (MANE Select); coding-DNA positions 814 to 815, GC replaced by AA.
Protein change: p.Ala272Asn; replaces alanine 272 with asparagine.
Molecular consequence: missense variant.
Genome position (GRCh38, 1-based): chr3:189,994,102-189,994,103, GC replaced by TT on the plus strand (GC replaced by AA on the coding strand, the reverse complement: P3H2 is on the minus strand). VCF-style: chr3-189994102-GC-TT. GRCh37 (hg19) VCF-style: chr3-189711891-GC-TT.
Other names: c.271_272delinsAA, p.Ala91Asn (NM_001134418.2); short protein forms A91N, A272N.
Identifiers: ClinVar variation 2110464 (VCV002110464.4), dbSNP rs2473827853, ClinGen allele CA2580070527.

ClinVar aggregate classification (germline): Uncertain significance (1 of 4 stars; one submission).

Submission:

Labcorp Genetics (formerly Invitae), Labcorp
Classification: Uncertain significance. Last evaluated: 2022-03-12. Review status: criteria provided, single submitter. Criteria: Invitae Variant Classification Sherloc (09022015). Collection method: clinical testing. Allele origin: germline.
Comment: In summary, the available evidence is currently insufficient to determine the role of this variant in disease. Therefore, it has been classified as a Variant of Uncertain Significance. Algorithms developed to predict the effect of missense changes on protein structure and function are either unavailable or do not agree on the potential impact of this missense change (SIFT: "Not Available"; PolyPhen-2: "Possibly Damaging"; Align-GVGD: "Not Available"). This sequence change replaces alanine, which is neutral and non-polar, with asparagine, which is neutral and polar, at codon 272 of the P3H2 protein (p.Ala272Asn). This variant is present in population databases (no rsID available, gnomAD 0.04%). This variant has not been reported in the literature in individuals affected with P3H2-related conditions.